The following is an entry in ClinVar:

NM_001378615.1(CC2D2A):c.4109T>C (p.Val1370Ala)

Genes: CC2D2A (coiled-coil and C2 domain containing 2A; plus strand), FBXL5 (F-box and leucine rich repeat protein 5; minus strand). Cytogenetic location: 4p15.32.
Variant type: single nucleotide variant.
Coding change: c.4109T>C on transcript NM_001378615.1 (MANE Select); coding-DNA position 4109, T replaced by C.
Protein change: p.Val1370Ala; replaces valine 1370 with alanine.
Molecular consequence: missense variant.
Genome position (GRCh38, 1-based): chr4:15,587,859, T>C. VCF-style: chr4-15587859-T-C. GRCh37 (hg19) VCF-style: chr4-15589482-T-C.
Other names: c.4109T>C, p.Val1370Ala (NM_001080522.2); c.3962T>C, p.Val1321Ala (NM_001378617.1); short protein forms V1321A, V1370A.
Identifiers: ClinVar variation 3748477 (VCV003748477.2).
Genomic context (GRCh38, chr4:15,587,859, plus strand): 5'-TTTTTTCTTTTTGTCAGCAATTTCTTGATCTCCTGGCAGGGGATGAAGAAGAACATGCAG[T>C]ACTATTGTGTAATTACTTTCTGTCTCTGGGTAAGAAGGCCTGGCTGTTGATGGGCAATGC-3'
Protein context (NP_001365544.1, residues 1360-1380): LLAGDEEEHA[Val1370Ala]LLCNYFLSLG

ClinVar aggregate classification (germline): Uncertain significance (1 of 4 stars; one submission).

Conditions:
Joubert syndrome. Also called: JOUBERT-BOLTSHAUSER SYNDROME; Familial aplasia of the vermis. Identifiers: Orphanet 475, MedGen C5979921, MONDO:0018772.
Meckel-Gruber syndrome. Also called: DYSENCEPHALIA SPLANCHNOCYSTICA; GRUBER SYNDROME; Dysencephalia splachnocystica. Identifiers: Orphanet 564, MedGen C0265215, MONDO:0018921.

Submission:

Labcorp Genetics (formerly Invitae), Labcorp
Classification: Uncertain significance for Joubert syndrome; Meckel-Gruber syndrome. Last evaluated: 2024-11-13. Review status: criteria provided, single submitter. Criteria: Invitae Variant Classification Sherloc (09022015). Collection method: clinical testing. Allele origin: germline.
Comment: This sequence change replaces valine, which is neutral and non-polar, with alanine, which is neutral and non-polar, at codon 1370 of the CC2D2A protein (p.Val1370Ala). This variant is not present in population databases (gnomAD no frequency). This variant has not been reported in the literature in individuals affected with CC2D2A-related conditions. Invitae Evidence Modeling of protein sequence and biophysical properties (such as structural, functional, and spatial information, amino acid conservation, physicochemical variation, residue mobility, and thermodynamic stability) has been performed for this missense variant. However, the output from this modeling did not meet the statistical confidence thresholds required to predict the impact of this variant on CC2D2A protein function. In summary, the available evidence is currently insufficient to determine the role of this variant in disease. Therefore, it has been classified as a Variant of Uncertain Significance.